The following is an entry in ClinVar:

NM_020778.5(ALPK3):c.2738A>C (p.His913Pro)

Gene: ALPK3 (alpha kinase 3; plus strand). Cytogenetic location: 15q25.3.
Variant type: single nucleotide variant.
Coding change: c.2738A>C on transcript NM_020778.5 (MANE Select); coding-DNA position 2738, A replaced by C.
Protein change: p.His913Pro; replaces histidine 913 with proline.
Molecular consequence: missense variant.
Genome position (GRCh38, 1-based): chr15:84,857,476, A>C. VCF-style: chr15-84857476-A-C. GRCh37 (hg19) VCF-style: chr15-85400707-A-C.
Other names: c.3344A>C (NM_020778.4); short protein forms H913P.
Identifiers: ClinVar variation 1416112 (VCV001416112.31), dbSNP rs1171103742, ClinGen allele CA393358205.

ClinVar aggregate classification (germline): Conflicting classifications of pathogenicity. Review status: criteria provided, conflicting classifications (1 of 4 stars). 3 submissions from 3 submitters: Uncertain significance (2); Likely benign (1). Last evaluated 2025-06-06.

Conditions:
Cardiovascular phenotype. Identifiers: MedGen CN230736.

Allele frequency attached by ClinVar (database versions not stated): gnomAD exomes below 0.00001; gnomAD 0.00001.

Submissions (3):

Labcorp Genetics (formerly Invitae), Labcorp
Classification: Uncertain significance. Last evaluated: 2025-06-06. Review status: criteria provided, single submitter. Criteria: Invitae Variant Classification Sherloc (09022015). Collection method: clinical testing. Allele origin: germline.
Comment: This sequence change replaces histidine, which is basic and polar, with proline, which is neutral and non-polar, at codon 1115 of the ALPK3 protein (p.His1115Pro). This variant is present in population databases (no rsID available, gnomAD no frequency), including at least one homozygous and/or hemizygous individual. This variant has not been reported in the literature in individuals affected with ALPK3-related conditions. ClinVar contains an entry for this variant (Variation ID: 1416112). Invitae Evidence Modeling of protein sequence and biophysical properties (such as structural, functional, and spatial information, amino acid conservation, physicochemical variation, residue mobility, and thermodynamic stability) indicates that this missense variant is not expected to disrupt ALPK3 protein function with a negative predictive value of 80%. In summary, the available evidence is currently insufficient to determine the role of this variant in disease. Therefore, it has been classified as a Variant of Uncertain Significance.

Ambry Genetics
Classification: Uncertain significance for Cardiovascular phenotype. Last evaluated: 2024-06-21. Review status: criteria provided, single submitter. Criteria: Ambry Variant Classification Scheme 2023. Collection method: clinical testing. Allele origin: germline.
Comment: The p.H1115P variant (also known as c.3344A>C), located in coding exon 6 of the ALPK3 gene, results from an A to C substitution at nucleotide position 3344. The histidine at codon 1115 is replaced by proline, an amino acid with similar properties. This amino acid position is conserved. In addition, this alteration is predicted to be tolerated by in silico analysis. Based on the available evidence, the clinical significance of this variant remains unclear.

CeGaT Center for Human Genetics Tuebingen
Classification: Likely benign. Last evaluated: 2023-09-01. Review status: criteria provided, single submitter. Criteria: CeGaT Center For Human Genetics Tuebingen Variant Classification Criteria Version 2. Collection method: clinical testing. Allele origin: germline. Affected: yes. Observed: 1 variant allele.
Comment: ALPK3: BP4